The following is an entry in ClinVar:

NM_015311.3(OBSL1):c.1820A>G (p.His607Arg)

Gene: OBSL1 (obscurin like cytoskeletal adaptor 1; minus strand). Cytogenetic location: 2q35.
Variant type: single nucleotide variant.
Coding change: c.1820A>G on transcript NM_015311.3 (MANE Select); coding-DNA position 1820, A replaced by G.
Protein change: p.His607Arg; replaces histidine 607 with arginine.
Molecular consequence: missense variant.
Genome position (GRCh38, 1-based): chr2:219,567,290, T>C on the plus strand (A>G on the coding strand, the complement: OBSL1 is on the minus strand). VCF-style: chr2-219567290-T-C. GRCh37 (hg19) VCF-style: chr2-220432012-T-C.
Other names: c.1820A>G, p.His607Arg (NM_001173408.2, NM_001173431.2); c.1820A>G (NM_015311.2); short protein forms H607R.
Identifiers: ClinVar variation 2186040 (VCV002186040.4), dbSNP rs374540973, ClinGen allele CA2131421.

ClinVar aggregate classification (germline): Uncertain significance. Review status: criteria provided, multiple submitters, no conflicts (2 of 4 stars). 3 submissions from 3 submitters: Uncertain significance (3). Last evaluated 2025-10-27.

Conditions:
OBSL1-related disorder. Also called: OBSL1-related condition.

Allele frequency attached by ClinVar (database versions not stated): gnomAD 0.00005; TOPMed 0.00006; ExAC 0.00010; ESP Exome Variant Server 0.00015; gnomAD exomes 0.00015.
gnomAD v4.1: 225 of 1,598,276 alleles (0.014%); highest among the groups gnomAD compares: Non-Finnish European, 0.019%; no homozygotes.

Submissions (3):

Women's Health and Genetics/Laboratory Corporation of America, LabCorp
Classification: Uncertain significance. Last evaluated: 2025-10-27. Review status: criteria provided, single submitter. Criteria: LabCorp Variant Classification Summary - May 2015. Collection method: clinical testing. Allele origin: germline.
Comment: Variant summary: OBSL1 c.1820A>G (p.His607Arg) results in a non-conservative amino acid change in the encoded protein sequence. Algorithms developed to predict the effect of missense changes on protein structure and function are either unavailable or do not agree on the potential impact of this missense change. The variant allele was found at a frequency of 7.9e-05 in 241998 control chromosomes. This frequency is not significantly higher than estimated for disease-causing variants in OBSL1, allowing no conclusion about variant significance. To our knowledge, no occurrence of c.1820A>G in individuals affected with OBSL1-related conditions and no experimental evidence demonstrating its impact on protein function have been reported. ClinVar contains an entry for this variant (Variation ID: 2186040). Based on the evidence outlined above, the variant was classified as uncertain significance.

PreventionGenetics, part of Exact Sciences
Classification: Uncertain significance for OBSL1-related condition. Last evaluated: 2025-09-16. Review status: criteria provided, single submitter. Criteria: ACMG Guidelines, 2015. Collection method: clinical testing. Allele origin: germline.
Comment: The OBSL1 c.1820A>G variant is predicted to result in the amino acid substitution p.His607Arg. To our knowledge, this variant has not been reported in the literature. This variant is reported in 0.016% of alleles in individuals of European (Non-Finnish) descent in gnomAD. At this time, the clinical significance of this variant is uncertain due to the absence of conclusive functional and genetic evidence.

Labcorp Genetics (formerly Invitae), Labcorp
Classification: Uncertain significance. Last evaluated: 2022-08-09. Review status: criteria provided, single submitter. Criteria: Invitae Variant Classification Sherloc (09022015). Collection method: clinical testing. Allele origin: germline.
Comment: This sequence change replaces histidine, which is basic and polar, with arginine, which is basic and polar, at codon 607 of the OBSL1 protein (p.His607Arg). This variant is present in population databases (rs374540973, gnomAD 0.02%). This variant has not been reported in the literature in individuals affected with OBSL1-related conditions. Algorithms developed to predict the effect of missense changes on protein structure and function (SIFT, PolyPhen-2, Align-GVGD) all suggest that this variant is likely to be tolerated. In summary, the available evidence is currently insufficient to determine the role of this variant in disease. Therefore, it has been classified as a Variant of Uncertain Significance.